The following is an entry in ClinVar:

ClinVar aggregate classification (germline): Conflicting classifications of pathogenicity. Review status: criteria provided, conflicting classifications (1 of 4 stars). 3 submissions from 3 submitters: Uncertain significance (1); Benign (1); Likely benign (1). Last evaluated 2026-02-03.

Conditions:
Hereditary cancer-predisposing syndrome. Also called: Tumor predisposition; Hereditary Cancer Syndrome; Neoplastic Syndromes, Hereditary; Hereditary neoplastic syndrome. Identifiers: Orphanet 140162, MedGen C0027672, MeSH D009386, MONDO:0015356.
Gorlin syndrome. Also called: Basal cell nevus syndrome; Nevoid Basal Cell Carcinoma Syndrome. Identifiers: Orphanet 377, MedGen C0004779, MONDO:0007187.

Allele frequency attached by ClinVar (database versions not stated): gnomAD 0.00002 and 0.00005; TOPMed 0.00002.
gnomAD v4.1: 42 of 1,614,170 alleles (0.0026%); highest among the groups gnomAD compares: South Asian, 0.011%; no homozygotes.

Submissions (3):

Labcorp Genetics (formerly Invitae), Labcorp
Classification: Benign for Gorlin syndrome. Last evaluated: 2026-02-03. Review status: criteria provided, single submitter. Criteria: Invitae Variant Classification Sherloc (09022015). Collection method: clinical testing. Allele origin: germline.

GeneDx
Classification: Uncertain significance. Last evaluated: 2024-12-09. Review status: criteria provided, single submitter. Criteria: GeneDx Variant Classification Process June 2021. Collection method: clinical testing. Allele origin: germline. Affected: yes.
Comment: Not observed at significant frequency in large population cohorts (gnomAD); In silico analysis indicates that this missense variant does not alter protein structure/function; Has not been previously published as pathogenic or benign to our knowledge; This variant is associated with the following publications: (PMID: 29641532, 11369205)

Ambry Genetics
Classification: Likely benign for Hereditary cancer-predisposing syndrome. Last evaluated: 2022-09-09. Review status: criteria provided, single submitter. Criteria: Ambry Variant Classification Scheme 2023. Collection method: clinical testing. Allele origin: germline.

NM_000264.5(PTCH1):c.1324G>A (p.Val442Met)

Gene: PTCH1 (patched 1; minus strand). Cytogenetic location: 9q22.32.
Variant type: single nucleotide variant.
Coding change: c.1324G>A on transcript NM_000264.5 (MANE Select); coding-DNA position 1324, G replaced by A.
Protein change: p.Val442Met; replaces valine 442 with methionine.
Molecular consequence: missense variant. On other transcripts: non-coding transcript variant (1).
Genome position (GRCh38, 1-based): chr9:95,478,078, C>T on the plus strand (G>A on the coding strand, the complement: PTCH1 is on the minus strand). VCF-style: chr9-95478078-C-T. GRCh37 (hg19) VCF-style: chr9-98240360-C-T.
Other names: c.1126G>A, p.Val376Met (NM_001083602.3); c.1321G>A, p.Val441Met (NM_001083603.3); c.871G>A, p.Val291Met (NM_001083604.3, NM_001083605.3, NM_001083606.3 and 1 more transcripts); c.1324G>A, p.Val442Met (NM_001354918.2); short protein forms V442M, V376M, V291M, V441M.
Identifiers: ClinVar variation 453784 (VCV000453784.14), dbSNP rs759493890, ClinGen allele CA196593928.